The following is an entry in ClinVar:

NR_033294.2(SNORD118):n.39G>T

Genes: SNORD118 (small nucleolar RNA, C/D box 118; minus strand), TMEM107 (transmembrane protein 107; minus strand). Cytogenetic location: 17p13.1.
Variant type: single nucleotide variant.
Molecular consequence: non-coding transcript variant (on NR_033294.2). On other transcripts: 3 prime UTR variant (5).
Genome position: GRCh38 VCF-style: chr17-8173550-C-A. GRCh37 (hg19) VCF-style: chr17-8076868-C-A.
Other names: c.*653G>T (NM_001351278.2, NM_001351279.2, NM_001351280.2 and 2 more transcripts).
Identifiers: ClinVar variation 929291 (VCV000929291.2), dbSNP rs200458465, ClinGen allele CA497957217.

ClinVar aggregate classification (germline): Likely pathogenic. Review status: criteria provided, single submitter (1 of 4 stars). 2 submissions from 2 submitters: Likely pathogenic (1). 1 of the submissions does not count toward it. Last evaluated 2025-03-27.

Conditions:
Leukoencephalopathy with calcifications and cysts. Also called: LABRUNE SYNDROME; Leukoencephalopathy, brain calcifications, and cysts. Identifiers: Orphanet 542310, MedGen C3281200, MONDO:0013803, OMIM 614561.

gnomAD v4.1: 3 of 765,358 alleles (0.00039%); highest among the groups gnomAD compares: South Asian, 0.0027%; no homozygotes.

Submissions (2):

First Genomix Gene Laboratory, Genetic Diagnostics Department
Classification: Likely pathogenic for Leukoencephalopathy with calcifications and cysts. Last evaluated: 2025-03-27. Review status: criteria provided, single submitter. Criteria: ACMG Guidelines, 2015. Collection method: clinical testing. Allele origin: germline. Inheritance: Autosomal recessive inheritance. Affected: no. Observed: 1 variant allele.

Laboratory of Neurogenetics and Neuroinflammation, Institut Imagine
Classification: Pathogenic for Leukoencephalopathy, brain calcifications, and cysts. Last evaluated: 2020-04-06. Review status: no assertion criteria provided. Collection method: clinical testing. Allele origin: germline. Affected: yes. Observed: 1 variant allele. Not counted in ClinVar's aggregate classification.